The following is an entry in ClinVar:

ClinVar aggregate classification (germline): Likely pathogenic. Review status: criteria provided, multiple submitters, no conflicts (2 of 4 stars). 2 submissions from 2 submitters: Likely pathogenic (2). Last evaluated 2018-06-15.

Conditions:
Neurodevelopmental disorder with involuntary movements (NEDIM). Identifiers: Orphanet 592564, MedGen C4479569, MONDO:0060491, OMIM 617493.

Submissions (2):

Broad Center for Mendelian Genomics, Broad Institute of MIT and Harvard
Classification: Likely pathogenic for Neurodevelopmental disorder with involuntary movements. Last evaluated: 2018-06-15. Review status: criteria provided, single submitter. Criteria: ACMG Guidelines, 2015. Collection method: research. Allele origin: germline. Inheritance: Autosomal dominant inheritance. Affected: yes.
Comment: Trio exome analysis showed this variant to be de novo. This variant was absent from large population studies. Computational prediction tools and conservation analyses suggest that this variant may impact the protein, though this information is not predictive enough to definitively determine pathogenicity. In summary, although additional studies are required to fully establish its pathogenicity, this variant is likely pathogenic.

Undiagnosed Diseases Network, NIH
Classification: Likely pathogenic for Neurodevelopmental disorder with involuntary movements. Last evaluated: 2016-12-01. Review status: criteria provided, single submitter. Criteria: ACMG Guidelines, 2015. Collection method: clinical testing. Allele origin: de novo. Inheritance: Autosomal dominant inheritance. Affected: yes. Observed: 1 variant allele, 1 heterozygote. Study: Undiagnosed Diseases Network (NIH), UDN.

NM_020988.3(GNAO1):c.662C>A (p.Ala221Asp)

Gene: GNAO1 (G protein subunit alpha o1; plus strand). Cytogenetic location: 16q13.
Variant type: single nucleotide variant.
Coding change: c.662C>A on transcript NM_020988.3 (MANE Select); coding-DNA position 662, C replaced by A.
Protein change: p.Ala221Asp; replaces alanine 221 with aspartic acid.
Molecular consequence: missense variant.
Genome position (GRCh38, 1-based): chr16:56,336,799, C>A. VCF-style: chr16-56336799-C-A. GRCh37 (hg19) VCF-style: chr16-56370711-C-A.
Other names: c.662C>A, p.Ala221Asp (NM_138736.3); short protein forms A221D.
Identifiers: ClinVar variation 522843 (VCV000522843.5), dbSNP rs1555507479, ClinGen allele CA395952288.